The following is an entry in ClinVar:

ClinVar aggregate classification (germline): Benign/Likely benign. Review status: criteria provided, multiple submitters, no conflicts (2 of 4 stars). 5 submissions from 5 submitters: Benign (1); Likely benign (4). Last evaluated 2025-12-12.

Conditions:
Hereditary cancer-predisposing syndrome. Also called: Neoplastic Syndromes, Hereditary; Hereditary Cancer Syndrome; Tumor predisposition; Hereditary neoplastic syndrome. Identifiers: Orphanet 140162, MedGen C0027672, MeSH D009386, MONDO:0015356.
Ataxia-telangiectasia syndrome (AT). Also called: LOUIS-BAR SYNDROME; Cerebello-oculocutaneous telangiectasia; Immunodeficiency with ataxia telangiectasia; Ataxia-telangiectasia, complementation group D; AT, COMPLEMENTATION GROUP C; Ataxia-telangiectasia, complementation group E. Identifiers: Orphanet 100, MedGen C0004135, MONDO:0008840, OMIM 208900.
Familial cancer of breast. Also called: Hereditary breast cancer; BREAST CANCER, FAMILIAL; hereditary breast carcinoma. Identifiers: Orphanet 227535, MedGen C0346153, MONDO:0016419, OMIM 114480. Disease mechanism: loss of function.

Allele frequency attached by ClinVar (database versions not stated): TOPMed below 0.00001; gnomAD exomes 0.00003 and 0.00001; ExAC 0.00005; gnomAD 0.00002 and below 0.00001; 1000 Genomes Project 30x 0.00016; 1000 Genomes Project 0.00020.
gnomAD v4.1: 25 of 1,613,070 alleles (0.0015%); highest among the groups gnomAD compares: South Asian, 0.025%; no homozygotes.

Submissions (5):

Labcorp Genetics (formerly Invitae), Labcorp
Classification: Likely benign for Ataxia-telangiectasia syndrome. Last evaluated: 2025-12-12. Review status: criteria provided, single submitter. Criteria: Invitae Variant Classification Sherloc (09022015). Collection method: clinical testing. Allele origin: germline.

Myriad Genetics, Inc.
Classification: Benign for Familial cancer of breast. Last evaluated: 2024-06-10. Review status: criteria provided, single submitter. Criteria: Myriad Autosomal Dominant, Autosomal Recessive and X-Linked Classification Criteria (2023). Collection method: clinical testing. Allele origin: unknown.
Comment: This variant is considered benign. This variant is a silent/synonymous amino acid change and it is not expected to impact splicing.

Athena Diagnostics
Classification: Likely benign. Last evaluated: 2018-07-26. Review status: criteria provided, single submitter. Criteria: Athena Diagnostics Criteria. Collection method: clinical testing. Allele origin: germline.

Color Diagnostics, LLC DBA Color Health
Classification: Likely benign for Hereditary cancer-predisposing syndrome. Last evaluated: 2018-03-06. Review status: criteria provided, single submitter. Criteria: ACMG Guidelines, 2015. Collection method: clinical testing. Allele origin: germline.

Ambry Genetics
Classification: Likely benign for Hereditary cancer-predisposing syndrome. Last evaluated: 2015-10-23. Review status: criteria provided, single submitter. Criteria: Ambry Variant Classification Scheme 2023. Collection method: clinical testing. Allele origin: germline.

NM_000051.4(ATM):c.6762C>T (p.His2254=)

Genes: ATM (ATM serine/threonine kinase; plus strand), C11orf65 (chromosome 11 open reading frame 65; minus strand). Cytogenetic location: 11q22.3.
Variant type: single nucleotide variant.
Coding change: c.6762C>T on transcript NM_000051.4 (MANE Select); coding-DNA position 6762, C replaced by T.
Protein change: p.His2254=; no amino-acid change (histidine 2254 retained).
Molecular consequence: synonymous variant. On other transcripts: intron variant (2).
Genome position (GRCh38, 1-based): chr11:108,325,499, C>T. VCF-style: chr11-108325499-C-T. GRCh37 (hg19) VCF-style: chr11-108196226-C-T.
Other names: c.6762C>T, p.His2254= (NM_001351834.2); c.641-16428G>A (NM_001330368.2); c.*38+9721G>A (NM_001351110.2).
Identifiers: ClinVar variation 414582 (VCV000414582.20), dbSNP rs563933875, ClinGen allele CA6266005.